The following is an entry in ClinVar:

ClinVar aggregate classification (germline): Uncertain significance. Review status: criteria provided, multiple submitters, no conflicts (2 of 4 stars). 3 submissions from 3 submitters: Uncertain significance (3). Last evaluated 2025-04-16.

Conditions:
Hereditary cancer-predisposing syndrome. Also called: Neoplastic Syndromes, Hereditary; Tumor predisposition; Hereditary neoplastic syndrome; Hereditary Cancer Syndrome. Identifiers: Orphanet 140162, MedGen C0027672, MeSH D009386, MONDO:0015356.
Cardiovascular phenotype. Identifiers: MedGen CN230736.

Allele frequency attached by ClinVar (database versions not stated): gnomAD exomes below 0.00001; gnomAD 0.00001.
gnomAD v4.1: 4 of 1,613,556 alleles (0.00025%); highest among the groups gnomAD compares: Non-Finnish European, 0.00034%; no homozygotes.

Submissions (3):

Labcorp Genetics (formerly Invitae), Labcorp
Classification: Uncertain significance. Last evaluated: 2025-04-16. Review status: criteria provided, single submitter. Criteria: Invitae Variant Classification Sherloc (09022015). Collection method: clinical testing. Allele origin: germline.
Comment: This sequence change replaces serine, which is neutral and polar, with isoleucine, which is neutral and non-polar, at codon 813 of the LZTR1 protein (p.Ser813Ile). This variant is not present in population databases (gnomAD no frequency). This missense change has been observed in individual(s) with schwannomatosis (PMID: 24362817). ClinVar contains an entry for this variant (Variation ID: 1722924). Invitae Evidence Modeling of protein sequence and biophysical properties (such as structural, functional, and spatial information, amino acid conservation, physicochemical variation, residue mobility, and thermodynamic stability) indicates that this missense variant is not expected to disrupt LZTR1 protein function with a negative predictive value of 80%. In summary, the available evidence is currently insufficient to determine the role of this variant in disease. Therefore, it has been classified as a Variant of Uncertain Significance.

GeneDx
Classification: Uncertain significance. Last evaluated: 2022-10-17. Review status: criteria provided, single submitter. Criteria: GeneDx Variant Classification Process June 2021. Collection method: clinical testing. Allele origin: germline. Affected: yes.
Comment: Not observed at significant frequency in large population cohorts (gnomAD); In silico analysis supports that this missense variant has a deleterious effect on protein structure/function; This variant is associated with the following publications: (PMID: 30368668, 24362817)

Ambry Genetics
Classification: Uncertain significance for Cardiovascular phenotype; Hereditary cancer-predisposing syndrome. Last evaluated: 2021-03-19. Review status: criteria provided, single submitter. Criteria: Ambry Variant Classification Scheme 2023. Collection method: clinical testing. Allele origin: germline.
Comment: The p.S813I variant (also known as c.2438G>T), located in coding exon 21 of the LZTR1 gene, results from a G to T substitution at nucleotide position 2438. The serine at codon 813 is replaced by isoleucine, an amino acid with dissimilar properties. This amino acid position is highly conserved in available vertebrate species. In addition, the in silico prediction for this alteration is inconclusive. Since supporting evidence is limited at this time, the clinical significance of this alteration remains unclear.

Literature cited by the submitters: PubMed 24362817 (cited by Labcorp Genetics (formerly Invitae), Labcorp).

NM_006767.4(LZTR1):c.2438G>T (p.Ser813Ile)

Gene: LZTR1 (leucine zipper like post translational regulator 1; plus strand). Cytogenetic location: 22q11.21.
Variant type: single nucleotide variant.
Coding change: c.2438G>T on transcript NM_006767.4 (MANE Select); coding-DNA position 2438, G replaced by T.
Protein change: p.Ser813Ile; replaces serine 813 with isoleucine.
Molecular consequence: missense variant.
Genome position (GRCh38, 1-based): chr22:20,997,263, G>T. VCF-style: chr22-20997263-G-T. GRCh37 (hg19) VCF-style: chr22-21351552-G-T.
Other names: short protein forms S813I.
Identifiers: ClinVar variation 1722924 (VCV001722924.5), dbSNP rs2147970970, ClinGen allele CA410781599.